The following is an entry in ClinVar:

NM_152743.4(BRAT1):c.1930_1932delinsTGG (p.Arg644Trp)

Gene: BRAT1 (BRCA1 associated ATM activator 1; minus strand). Cytogenetic location: 7p22.3.
Variant type: Indel.
Coding change: c.1930_1932delinsTGG on transcript NM_152743.4 (MANE Select); coding-DNA positions 1930 to 1932, CGA replaced by TGG.
Protein change: p.Arg644Trp; replaces arginine 644 with tryptophan.
Molecular consequence: missense variant. On other transcripts: non-coding transcript variant (1).
Genome position (GRCh38, 1-based): chr7:2,538,603-2,538,605, TCG replaced by CCA on the plus strand (CGA replaced by TGG on the coding strand, the reverse complement: BRAT1 is on the minus strand). VCF-style: chr7-2538603-TCG-CCA. GRCh37 (hg19) VCF-style: chr7-2578237-TCG-CCA.
Other names: c.2110_2112delinsTGG, p.Arg704Trp (NM_001350626.2); c.1405_1407delinsTGG, p.Arg469Trp (NM_001350627.2); short protein forms R704W, R644W, R469W.
Identifiers: ClinVar variation 576182 (VCV000576182.6), dbSNP rs1562565649, ClinGen allele CA891843277.
Genomic context (GRCh38, chr7:2,538,603, plus strand): 5'-CTGGCCCAGGAACACGAGGGCCAGCTCCAGGCCCTGGGCGCGGACCTCCCAGTCCAGGTC[TCG>CCA]GCTCGCCGCCTGCAGCACAGTGGCCACGAACTGCTCCGTGTCCTGGGCCGCGTCGGCGTG-3'
Protein context (NP_689956.2, residues 634-654): FVATVLQAAS[Arg644Trp]DLDWEVRAQG

ClinVar aggregate classification (germline): Uncertain significance (1 of 4 stars; one submission).

Conditions:
Neonatal-onset encephalopathy with rigidity and seizures. Also called: Lethal neonatal spasticity-epileptic encephalopathy syndrome. Identifiers: Orphanet 435845, MedGen C3281029, MONDO:0013784, OMIM 614498.

Submission:

Labcorp Genetics (formerly Invitae), Labcorp
Classification: Uncertain significance for Neonatal-onset encephalopathy with rigidity and seizures. Last evaluated: 2021-11-30. Review status: criteria provided, single submitter. Criteria: Invitae Variant Classification Sherloc (09022015). Collection method: clinical testing. Allele origin: germline.
Comment: In summary, the available evidence is currently insufficient to determine the role of this variant in disease. Therefore, it has been classified as a Variant of Uncertain Significance. Experimental studies and prediction algorithms are not available or were not evaluated, and the functional significance of this variant is currently unknown. ClinVar contains an entry for this variant (Variation ID: 576182). This variant has not been reported in the literature in individuals affected with BRAT1-related conditions. Information on the frequency of this variant in the gnomAD database is not available, as this variant may be reported differently in the database. This sequence change replaces arginine, which is basic and polar, with tryptophan, which is neutral and slightly polar, at codon 644 of the BRAT1 protein (p.Arg644Trp).